The following is an entry in ClinVar:

NM_016219.5(MAN1B1):c.1386C>T (p.Ala462=)

Gene: MAN1B1 (mannosidase alpha class 1B member 1; plus strand). Cytogenetic location: 9q34.3.
Variant type: single nucleotide variant.
Coding change: c.1386C>T on transcript NM_016219.5 (MANE Select); coding-DNA position 1386, C replaced by T.
Protein change: p.Ala462=; no amino-acid change (alanine 462 retained).
Molecular consequence: synonymous variant. On other transcripts: non-coding transcript variant (2).
Genome position (GRCh38, 1-based): chr9:137,106,256, C>T. VCF-style: chr9-137106256-C-T. GRCh37 (hg19) VCF-style: chr9-140000708-C-T.
Identifiers: ClinVar variation 588687 (VCV000588687.42), dbSNP rs141112920, ClinGen allele CA5359205.

ClinVar aggregate classification (germline): Benign/Likely benign. Review status: criteria provided, multiple submitters, no conflicts (2 of 4 stars). 4 submissions from 4 submitters: Benign (1); Likely benign (3). Last evaluated 2026-03-01.

Conditions:
Rafiq syndrome (RAFQS). Identifiers: Orphanet 88616, MedGen C3280127, MONDO:0013624, OMIM 614202.
Inborn genetic diseases. Identifiers: MedGen C0950123, MeSH D030342.

Allele frequency attached by ClinVar (database versions not stated): gnomAD exomes 0.00053; ExAC 0.00115; gnomAD 0.00197 and 0.00215; 1000 Genomes Project 0.00200; TOPMed 0.00222; 1000 Genomes Project 30x 0.00250; ESP Exome Variant Server 0.00301.
gnomAD v4.1: 606 of 1,579,140 alleles (0.038%); highest among the groups gnomAD compares: African/African-American, 0.7%; 3 homozygotes.

Submissions (4):

CeGaT Center for Human Genetics Tuebingen
Classification: Likely benign. Last evaluated: 2026-03-01. Review status: criteria provided, single submitter. Criteria: CeGaT Center For Human Genetics Tuebingen Variant Classification Criteria Version 2. Collection method: clinical testing. Allele origin: germline. Affected: yes. Observed: 2 variant alleles.
Comment: MAN1B1: BP4, BP7

Labcorp Genetics (formerly Invitae), Labcorp
Classification: Benign for Rafiq syndrome. Last evaluated: 2026-02-01. Review status: criteria provided, single submitter. Criteria: Invitae Variant Classification Sherloc (09022015). Collection method: clinical testing. Allele origin: germline.

Genetic Services Laboratory, University of Chicago
Classification: Likely benign. Last evaluated: 2017-08-03. Review status: criteria provided, single submitter. Criteria: ACMG Guidelines, 2015. Collection method: clinical testing. Allele origin: germline. Affected: no.

Ambry Genetics
Classification: Likely benign for Inborn genetic diseases. Last evaluated: 2017-01-17. Review status: criteria provided, single submitter. Criteria: Ambry Variant Classification Scheme 2023. Collection method: clinical testing. Allele origin: germline.